The following is an entry in ClinVar:

ClinVar aggregate classification (germline): Benign/Likely benign. Review status: criteria provided, multiple submitters, no conflicts (2 of 4 stars). 9 submissions from 6 submitters: Benign (5); Likely benign (4). Last evaluated 2026-01-05.

Conditions:
Congenital myopathy 18. Also called: Myopathy, congenital, due to dihydropyridine receptor defect; DIHYDROPYRIDINE RECEPTOR CONGENITAL MYOPATHY; DHPR CONGENITAL MYOPATHY. Identifiers: MedGen C5830283, MONDO:0859514, OMIM 620246.
Hypokalemic periodic paralysis, type 1. Also called: Hypokalemic Periodic Paralysis Type 1 (AD); HypoPP. Identifiers: Orphanet 681, MedGen C3714580, MONDO:0042979, OMIM 170400.
Malignant hyperthermia, susceptibility to, 5 (MHS5). Also called: CACNA1S-Related Malignant Hyperthermia Susceptibility. Identifiers: Orphanet 423, MedGen C1866077, MONDO:0011163, OMIM 601887.
Thyrotoxic periodic paralysis, susceptibility to, 1 (TTPP1). Identifiers: Orphanet 79102, MedGen C2749982, MONDO:0008570, OMIM 188580.

Allele frequency attached by ClinVar (database versions not stated): TOPMed 0.00001; gnomAD 0.00002; gnomAD exomes 0.00003 and 0.00007; ExAC 0.00010.
gnomAD v4.1: 51 of 1,613,922 alleles (0.0032%); highest among the groups gnomAD compares: East Asian, 0.045%; no homozygotes.

Submissions (9):

Labcorp Genetics (formerly Invitae), Labcorp
Classification: Likely benign for Hypokalemic periodic paralysis, type 1; Malignant hyperthermia, susceptibility to, 5. Last evaluated: 2026-01-05. Review status: criteria provided, single submitter. Criteria: Invitae Variant Classification Sherloc (09022015). Collection method: clinical testing. Allele origin: germline.

Blueprint Genetics
Classification: Likely benign. Last evaluated: 2024-10-30. Review status: criteria provided, single submitter. Criteria: ACMG Guidelines, 2015. Collection method: clinical testing. Allele origin: germline.

All of Us Research Program, National Institutes of Health
Classification: Likely benign for Malignant hyperthermia, susceptibility to, 5. Last evaluated: 2023-12-18. Review status: criteria provided, single submitter. Criteria: ACMG Guidelines, 2015. Collection method: clinical testing. Allele origin: germline. Inheritance: Autosomal dominant inheritance. Observed: 5 variant alleles, 5 heterozygotes.
Comment: This study involves interpretation of variants in research participants for the purpose of population health screening. Participant phenotype was not available at the time of variant classification. Additional details can be found in publication PMID: 35346344, PMCID: PMC8962531

Genome-Nilou Lab
Classification: Benign for Malignant hyperthermia, susceptibility to, 5. Last evaluated: 2023-04-11. Review status: criteria provided, single submitter. Criteria: ACMG Guidelines, 2015. Collection method: clinical testing. Allele origin: germline. Affected: no.

Genome-Nilou Lab
Classification: Benign for Thyrotoxic periodic paralysis, susceptibility to, 1. Last evaluated: 2023-04-11. Review status: criteria provided, single submitter. Criteria: ACMG Guidelines, 2015. Collection method: clinical testing. Allele origin: germline. Affected: no.

Genome-Nilou Lab
Classification: Benign for Congenital myopathy 18. Last evaluated: 2023-04-11. Review status: criteria provided, single submitter. Criteria: ACMG Guidelines, 2015. Collection method: clinical testing. Allele origin: germline. Affected: no.

Genome-Nilou Lab
Classification: Benign for Hypokalemic periodic paralysis, type 1. Last evaluated: 2023-04-11. Review status: criteria provided, single submitter. Criteria: ACMG Guidelines, 2015. Collection method: clinical testing. Allele origin: germline. Affected: no.

Color Diagnostics, LLC DBA Color Health
Classification: Likely benign for Malignant hyperthermia, susceptibility to, 5. Last evaluated: 2022-11-06. Review status: criteria provided, single submitter. Criteria: ACMG Guidelines, 2015. Collection method: clinical testing. Allele origin: germline.

Illumina Laboratory Services, Illumina
Classification: Benign for Hypokalemic periodic paralysis, type 1. Last evaluated: 2018-01-13. Review status: criteria provided, single submitter. Criteria: ICSL Variant Classification Criteria 13 December 2019. Collection method: clinical testing. Allele origin: germline.
Comment: This variant was observed in the ICSL laboratory as part of a predisposition screen in an ostensibly healthy population. It had not been previously curated by ICSL or reported in the Human Gene Mutation Database (HGMD: prior to June 1st, 2018), and was therefore a candidate for classification through an automated scoring system. Utilizing variant allele frequency, disease prevalence and penetrance estimates, and inheritance mode, an automated score was calculated to assess if this variant is too frequent to cause the disease. Based on the score and internal cut-off values, a variant classified as benign is not then subjected to further curation. The score for this variant resulted in a classification of benign for this disease.

NM_000069.3(CACNA1S):c.702G>T (p.Val234=)

Gene: CACNA1S (calcium voltage-gated channel subunit alpha1 S; minus strand). Cytogenetic location: 1q32.1.
Variant type: single nucleotide variant.
Coding change: c.702G>T on transcript NM_000069.3 (MANE Select); coding-DNA position 702, G replaced by T.
Protein change: p.Val234=; no amino-acid change (valine 234 retained).
Molecular consequence: synonymous variant.
Genome position (GRCh38, 1-based): chr1:201,089,456, C>A on the plus strand (G>T on the coding strand, the complement: CACNA1S is on the minus strand). VCF-style: chr1-201089456-C-A. GRCh37 (hg19) VCF-style: chr1-201058584-C-A.
Identifiers: ClinVar variation 876797 (VCV000876797.16), dbSNP rs752724350, ClinGen allele CA083968.
Genomic context (GRCh38, chr1:201,089,456, plus strand): 5'-GCACCGGCGCCCTGAGCCCGTCCTGGCGCAGGGCGATGGCTCTTCATTCTCCACCGTGGC[C>A]ACGATATCTGGAGGCAGAAGGCAAAGGGAACATCAGACAACAGTAGTAGGTGGACAACGA-3'
Protein context (NP_000060.2, residues 224-244): KTCYFIGTDI[Val234=]ATVENEEPSP